The following is an entry in ClinVar:

ClinVar aggregate classification (germline): Uncertain significance. Review status: criteria provided, multiple submitters, no conflicts (2 of 4 stars). 2 submissions from 2 submitters: Uncertain significance (2). Last evaluated 2023-12-18.

Conditions:
Cardiomyopathy (CMYO). Also called: Cardiomyopathies. Identifiers: Orphanet 167848, MedGen C0878544, MONDO:0004994, HP:0001638. Inheritance: Various modes of inheritance.
Familial isolated arrhythmogenic right ventricular dysplasia. Identifiers: Orphanet 217656, MedGen C4274968, MONDO:0016342.

Allele frequency attached by ClinVar (database versions not stated): gnomAD 0.00001.
gnomAD v4.1: 1 of 1,614,068 alleles (0.000062%); no homozygotes.

Submissions (2):

All of Us Research Program, National Institutes of Health
Classification: Uncertain significance for Familial isolated arrhythmogenic right ventricular dysplasia. Last evaluated: 2023-12-18. Review status: criteria provided, single submitter. Criteria: ACMG Guidelines, 2015. Collection method: clinical testing. Allele origin: germline. Inheritance: Autosomal dominant inheritance. Observed: 1 variant allele, 1 heterozygote.
Comment: Variant of Uncertain Significance due to insufficient evidence: This missense variant is located in the cytoplasmic domain of the DSC2 protein. Computational prediction tools and conservation analyses are inconclusive regarding the impact of this variant on the protein function. Computational splicing tools suggest that this variant may not impact RNA splicing. To our knowledge, functional assays have not been performed for this variant nor has this variant been reported in individuals affected with cardiovascular disorders in the literature. This variant has been identified in 1/30966 chromosomes in the general population by the Genome Aggregation Database (gnomAD). Available evidence is insufficient to determine the pathogenicity of this variant conclusively.

This study involves interpretation of variants in research participants for the purpose of population health screening. Participant phenotype was not available at the time of variant classification. Additional details can be found in publication PMID: 35346344, PMCID: PMC8962531

Color Diagnostics, LLC DBA Color Health
Classification: Uncertain significance for Cardiomyopathy. Last evaluated: 2023-12-04. Review status: criteria provided, single submitter. Criteria: ACMG Guidelines, 2015. Collection method: clinical testing. Allele origin: germline.
Comment: Variant of Uncertain Significance due to insufficient evidence: This missense variant is located in the cytoplasmic domain of the DSC2 protein. Computational prediction tools and conservation analyses are inconclusive regarding the impact of this variant on the protein function. Computational splicing tools suggest that this variant may not impact RNA splicing. To our knowledge, functional assays have not been performed for this variant nor has this variant been reported in individuals affected with cardiovascular disorders in the literature. This variant has been identified in 1/30966 chromosomes in the general population by the Genome Aggregation Database (gnomAD). Available evidence is insufficient to determine the pathogenicity of this variant conclusively.

NM_024422.6(DSC2):c.2342A>G (p.Gln781Arg)

Gene: DSC2 (desmocollin 2; minus strand). Cytogenetic location: 18q12.1.
Variant type: single nucleotide variant.
Coding change: c.2342A>G on transcript NM_024422.6 (MANE Select); coding-DNA position 2342, A replaced by G.
Protein change: p.Gln781Arg; replaces glutamine 781 with arginine.
Molecular consequence: missense variant.
Genome position (GRCh38, 1-based): chr18:31,069,060, T>C on the plus strand (A>G on the coding strand, the complement: DSC2 is on the minus strand). VCF-style: chr18-31069060-T-C. GRCh37 (hg19) VCF-style: chr18-28649026-T-C.
Other names: c.2342A>G, p.Gln781Arg (NM_004949.5); short protein forms Q781R.
Identifiers: ClinVar variation 923398 (VCV000923398.6), dbSNP rs1244664122, ClinGen allele CA402111766.
Genomic context (GRCh38, chr18:31,069,060, plus strand): 5'-CCAGCCCCCCGGCAGGATTCCGAGGTCTGGTGTCCTCCTTTCACCATTTCGATGGTCTCC[T>C]GACCTCCGTTTTTGATTCCTGATCCCACGGTGCCACAAACTCCCTGAGCAGAAGCGCCCA-3'
Protein context (NP_077740.1, residues 771-791): TVGSGIKNGG[Gln781Arg]ETIEMVKGGH